The following is an entry in ClinVar:

ClinVar aggregate classification (germline): Uncertain significance (1 of 4 stars; one submission).

Conditions:
Inborn genetic diseases. Identifiers: MedGen C0950123, MeSH D030342.

Submission:

Ambry Genetics
Classification: Uncertain significance for Inborn genetic diseases. Last evaluated: 2024-05-10. Review status: criteria provided, single submitter. Criteria: Ambry Variant Classification Scheme 2023. Collection method: clinical testing. Allele origin: germline.
Comment: The p.Q231H variant (also known as c.693G>C), located in coding exon 5 of the ACD gene, results from a G to C substitution at nucleotide position 693. The glutamine at codon 231 is replaced by histidine, an amino acid with highly similar properties. This amino acid position is conserved. In addition, this alteration is predicted to be tolerated by in silico analysis. Based on the available evidence, the clinical significance of this variant remains unclear.

NM_001082486.2(ACD):c.435G>C (p.Gln145His)

Gene: ACD (ACD shelterin complex subunit and telomerase recruitment factor; minus strand). Cytogenetic location: 16q22.1.
Variant type: single nucleotide variant.
Coding change: c.435G>C on transcript NM_001082486.2 (MANE Select); coding-DNA position 435, G replaced by C.
Protein change: p.Gln145His; replaces glutamine 145 with histidine.
Molecular consequence: missense variant.
Genome position (GRCh38, 1-based): chr16:67,659,398, C>G on the plus strand (G>C on the coding strand, the complement: ACD is on the minus strand). VCF-style: chr16-67659398-C-G. GRCh37 (hg19) VCF-style: chr16-67693301-C-G.
Other names: c.435G>C, p.Gln145His (NM_001410884.1); c.426G>C, p.Gln142His (NM_022914.3); short protein forms Q142H, Q145H.
Identifiers: ClinVar variation 3261533 (VCV003261533.1).